The following is an entry in ClinVar:

ClinVar aggregate classification (germline): Uncertain significance (1 of 4 stars; one submission).

Conditions:
Oligodontia-cancer predisposition syndrome. Also called: TOOTH AGENESIS-COLORECTAL CANCER SYNDROME. Identifiers: Orphanet 300576, MedGen C1837750, MONDO:0012075, OMIM 608615. Disease mechanism: loss of function.

Submission:

Labcorp Genetics (formerly Invitae), Labcorp
Classification: Uncertain significance for Oligodontia-cancer predisposition syndrome. Last evaluated: 2019-05-13. Review status: criteria provided, single submitter. Criteria: Invitae Variant Classification Sherloc (09022015). Collection method: clinical testing. Allele origin: germline.
Comment: In summary, the available evidence is currently insufficient to determine the role of this variant in disease. Therefore, it has been classified as a Variant of Uncertain Significance. Algorithms developed to predict the effect of missense changes on protein structure and function (SIFT, PolyPhen-2, Align-GVGD) all suggest that this variant is likely to be tolerated, but these predictions have not been confirmed by published functional studies and their clinical significance is uncertain. This variant has not been reported in the literature in individuals with AXIN2-related conditions. This variant is not present in population databases (ExAC no frequency). This sequence change replaces threonine with proline at codon 577 of the AXIN2 protein (p.Thr577Pro). The threonine residue is moderately conserved and there is a small physicochemical difference between threonine and proline.

NM_004655.4(AXIN2):c.1729A>C (p.Thr577Pro)

Gene: AXIN2 (axin 2; minus strand). Cytogenetic location: 17q24.1.
Variant type: single nucleotide variant.
Coding change: c.1729A>C on transcript NM_004655.4 (MANE Select); coding-DNA position 1729, A replaced by C.
Protein change: p.Thr577Pro; replaces threonine 577 with proline.
Molecular consequence: missense variant. On other transcripts: intron variant (1).
Genome position (GRCh38, 1-based): chr17:65,537,047, T>G on the plus strand (A>C on the coding strand, the complement: AXIN2 is on the minus strand). VCF-style: chr17-65537047-T-G. GRCh37 (hg19) VCF-style: chr17-63533165-T-G.
Other names: c.1712+277A>C (NM_001363813.1); short protein forms T577P.
Identifiers: ClinVar variation 941693 (VCV000941693.9), dbSNP rs2043937210, ClinGen allele CA400676730.